The following is an entry in ClinVar:

NM_016507.4(CDK12):c.3392T>C (p.Ile1131Thr)

Gene: CDK12 (cyclin dependent kinase 12; plus strand). Cytogenetic location: 17q12.
Variant type: single nucleotide variant.
Coding change: c.3392T>C on transcript NM_016507.4 (MANE Select); coding-DNA position 3392, T replaced by C.
Protein change: p.Ile1131Thr; replaces isoleucine 1131 with threonine.
Molecular consequence: missense variant.
Genome position (GRCh38, 1-based): chr17:39,525,948, T>C. VCF-style: chr17-39525948-T-C. GRCh37 (hg19) VCF-style: chr17-37682201-T-C.
Other names: c.3392T>C, p.Ile1131Thr (NM_015083.4); short protein forms I1131T.
Identifiers: ClinVar variation 5034180 (VCV005034180.1).

ClinVar aggregate classification (germline): Uncertain significance (1 of 4 stars; one submission).

Submission:

Ambry Genetics
Classification: Uncertain significance. Last evaluated: 2026-09-02. Review status: criteria provided, single submitter. Criteria: Ambry Variant Classification Scheme 2023. Collection method: clinical testing. Allele origin: germline.
Comment: The p.I1131T variant (also known as c.3392T>C), located in coding exon 13 of the CDK12 gene, results from a T to C substitution at nucleotide position 3392. The isoleucine at codon 1131 is replaced by threonine, an amino acid with similar properties. This amino acid position is conserved. In addition, this alteration is predicted to be tolerated by in silico analysis. Based on the available evidence, the clinical significance of this variant remains unclear.